The following is an entry in ClinVar:

ClinVar aggregate classification (germline): Pathogenic. Review status: criteria provided, single submitter (1 of 4 stars). 2 submissions from 2 submitters: Pathogenic (1). 1 of the submissions does not count toward it. Last evaluated 2024-12-06.

Conditions:
Achromatopsia 2 (ACHM2). Also called: COLORBLINDNESS, TOTAL; ROD MONOCHROMACY 2; ROD MONOCHROMATISM 2. Identifiers: Orphanet 49382, MedGen C1857618, MONDO:0009003, OMIM 216900.

Allele frequency attached by ClinVar (database versions not stated): gnomAD exomes 0.00001.
gnomAD v4.1: 11 of 1,610,960 alleles (0.00068%); highest among the groups gnomAD compares: Non-Finnish European, 0.00093%; no homozygotes.

Submissions (2):

Labcorp Genetics (formerly Invitae), Labcorp
Classification: Pathogenic. Last evaluated: 2024-12-06. Review status: criteria provided, single submitter. Criteria: Invitae Variant Classification Sherloc (09022015). Collection method: clinical testing. Allele origin: germline.
Comment: This sequence change replaces proline, which is neutral and non-polar, with leucine, which is neutral and non-polar, at codon 372 of the CNGA3 protein (p.Pro372Leu). This variant is not present in population databases (gnomAD no frequency). This missense change has been observed in individual(s) with achromatopsia (PMID: 35332618; internal data). In at least one individual the data is consistent with being in trans (on the opposite chromosome) from a pathogenic variant. ClinVar contains an entry for this variant (Variation ID: 1064464). Invitae Evidence Modeling of protein sequence and biophysical properties (such as structural, functional, and spatial information, amino acid conservation, physicochemical variation, residue mobility, and thermodynamic stability) indicates that this missense variant is expected to disrupt CNGA3 protein function with a positive predictive value of 95%. This variant disrupts the p.Pro372 amino acid residue in CNGA3. Other variant(s) that disrupt this residue have been determined to be pathogenic (PMID: 11536077, 20506298, 28559085, 29053603). This suggests that this residue is clinically significant, and that variants that disrupt this residue are likely to be disease-causing. For these reasons, this variant has been classified as Pathogenic.

Molecular Genetics Laboratory, Institute for Ophthalmic Research
Classification: Likely pathogenic for Achromatopsia 2. Last evaluated: 2021-04-15. Review status: no assertion criteria provided. Collection method: research. Allele origin: germline. Affected: yes. Not counted in ClinVar's aggregate classification.

Literature cited by the submitters: PubMed 35332618 (cited by Labcorp Genetics (formerly Invitae), Labcorp); PubMed 11536077 (cited by Labcorp Genetics (formerly Invitae), Labcorp); PubMed 20506298 (cited by Labcorp Genetics (formerly Invitae), Labcorp); PubMed 28559085 (cited by Labcorp Genetics (formerly Invitae), Labcorp); PubMed 29053603 (cited by Labcorp Genetics (formerly Invitae), Labcorp).

NM_001298.3(CNGA3):c.1115C>T (p.Pro372Leu)

Gene: CNGA3 (cyclic nucleotide gated channel subunit alpha 3; plus strand). Cytogenetic location: 2q11.2.
Variant type: single nucleotide variant.
Coding change: c.1115C>T on transcript NM_001298.3 (MANE Select); coding-DNA position 1115, C replaced by T.
Protein change: p.Pro372Leu; replaces proline 372 with leucine.
Molecular consequence: missense variant.
Genome position (GRCh38, 1-based): chr2:98,396,285, C>T. VCF-style: chr2-98396285-C-T. GRCh37 (hg19) VCF-style: chr2-99012748-C-T.
Other names: c.1061C>T, p.Pro354Leu (NM_001079878.2); short protein forms P354L, P372L.
Identifiers: ClinVar variation 1064464 (VCV001064464.4), dbSNP rs2104246962, ClinGen allele CA347832860.